The following is an entry in ClinVar:

NM_000093.5(COL5A1):c.660C>G (p.Asp220Glu)

Gene: COL5A1 (collagen type V alpha 1 chain; plus strand). Cytogenetic location: 9q34.3.
Variant type: single nucleotide variant.
Coding change: c.660C>G on transcript NM_000093.5 (MANE Select); coding-DNA position 660, C replaced by G.
Protein change: p.Asp220Glu; replaces aspartic acid 220 with glutamic acid.
Molecular consequence: missense variant.
Genome position (GRCh38, 1-based): chr9:134,727,271, C>G. VCF-style: chr9-134727271-C-G. GRCh37 (hg19) VCF-style: chr9-137619117-C-G.
Other names: c.660C>G, p.Asp220Glu (NM_001278074.1); short protein forms D220E.
Identifiers: ClinVar variation 519659 (VCV000519659.14), dbSNP rs570691491, ClinGen allele CA375446188.

ClinVar aggregate classification (germline): Conflicting classifications of pathogenicity. Review status: criteria provided, conflicting classifications (1 of 4 stars). 3 submissions from 3 submitters: Uncertain significance (2); Benign (1). Last evaluated 2023-07-25.

Conditions:
Familial thoracic aortic aneurysm and aortic dissection (TAAD). Also called: Thoracic aortic aneurysms and dissections. Identifiers: Orphanet 91387, MedGen C4707243, MONDO:0019625.
Ehlers-Danlos syndrome, classic type, 1 (EDSCL1). Also called: Ehlers-Danlos Syndrome, Classic Type, COL5A1-Related; EDS I; Ehlers-Danlos syndrome, type 1; EHLERS-DANLOS SYNDROME, GRAVIS TYPE; EHLERS-DANLOS SYNDROME, SEVERE CLASSIC TYPE. Identifiers: MedGen C0268335, MONDO:0019567, OMIM 130000.

Allele frequency attached by ClinVar (database versions not stated): gnomAD exomes 0.00001; gnomAD 0.00003.
gnomAD v4.1: 4 of 1,613,828 alleles (0.00025%); highest among the groups gnomAD compares: Admixed American, 0.0067%; no homozygotes.

Submissions (3):

Labcorp Genetics (formerly Invitae), Labcorp
Classification: Benign for Ehlers-Danlos syndrome, classic type, 1. Last evaluated: 2023-07-25. Review status: criteria provided, single submitter. Criteria: Invitae Variant Classification Sherloc (09022015). Collection method: clinical testing. Allele origin: germline.

ARUP Laboratories, Molecular Genetics and Genomics, ARUP Laboratories
Classification: Uncertain significance. Last evaluated: 2018-01-15. Review status: criteria provided, single submitter. Criteria: ARUP Molecular Germline Variant Investigation Process. Collection method: clinical testing. Allele origin: germline.
Comment: The c.660C>G variant has not been reported in the medical literature, gene specific variation databases, nor has it been previously identified by our laboratory. It is present in the genome Aggregation Database with an overall population frequency of 0.001% (4 out of 277,104 chromosomes). The aspartic acid in position 220 is highly conserved, considering 12 species (Alamut software v.2.10.0), and computational algorithms make conflicting predictions regarding the effect of this variant (SIFT: tolerated, Poly-Phen 2: benign, Mutation Taster: disease causing). Therefore, based on the available information, the clinical significance of the p.Asp220Glu variant cannot be determined with certainty.

Ambry Genetics
Classification: Uncertain significance for Familial thoracic aortic aneurysm and aortic dissection. Last evaluated: 2017-11-01. Review status: criteria provided, single submitter. Criteria: Ambry Variant Classification Scheme 2023. Collection method: clinical testing. Allele origin: germline.
Comment: The p.D220E variant (also known as c.660C>G), located in coding exon 5 of the COL5A1 gene, results from a C to G substitution at nucleotide position 660. The aspartic acid at codon 220 is replaced by glutamic acid, an amino acid with highly similar properties. This amino acid position is well conserved in available vertebrate species; however, glutamic acid is the reference amino acid in other vertebrate species. Using the BDGP and ESEfinder splice site prediction tools, this alteration is predicted to create a new alternate splice donor site; however, direct evidence is unavailable. In addition, this alteration is predicted to be tolerated by in silico analysis. Since supporting evidence is limited at this time, the clinical significance of this alteration remains unclear.